The following is an entry in ClinVar:

NM_000944.5(PPP3CA):c.165G>A (p.Arg55=)

Gene: PPP3CA (protein phosphatase 3 catalytic subunit alpha; minus strand). Cytogenetic location: 4q24.
Variant type: single nucleotide variant.
Coding change: c.165G>A on transcript NM_000944.5 (MANE Select); coding-DNA position 165, G replaced by A.
Protein change: p.Arg55=; no amino-acid change (arginine 55 retained).
Molecular consequence: synonymous variant.
Genome position (GRCh38, 1-based): chr4:101,196,010, C>T on the plus strand (G>A on the coding strand, the complement: PPP3CA is on the minus strand). VCF-style: chr4-101196010-C-T. GRCh37 (hg19) VCF-style: chr4-102117167-C-T.
Other names: c.165G>A, p.Arg55= (NM_001130691.2, NM_001130692.2).
Identifiers: ClinVar variation 3032519 (VCV003032519.2), dbSNP rs2476120421, ClinGen allele CA440386668.

ClinVar aggregate classification (germline): Likely benign (0 of 4 stars; one submission).

Conditions:
PPP3CA-related disorder. Also called: PPP3CA-related disorders; PPP3CA-related condition.

Submission:

PreventionGenetics, part of Exact Sciences
Classification: Likely benign for PPP3CA-related condition. Last evaluated: 2024-01-04. Review status: no assertion criteria provided. Collection method: clinical testing. Allele origin: germline.
Comment: This variant is classified as likely benign based on ACMG/AMP sequence variant interpretation guidelines (Richards et al. 2015 PMID: 25741868, with internal and published modifications).